The following is an entry in ClinVar:

ClinVar aggregate classification (germline): Uncertain significance. Review status: criteria provided, multiple submitters, no conflicts (2 of 4 stars). 2 submissions from 2 submitters: Uncertain significance (2). Last evaluated 2024-09-03.

gnomAD v4.1: 1 of 1,613,114 alleles (0.000062%); no homozygotes.

Submissions (2):

GeneDx
Classification: Uncertain significance. Last evaluated: 2024-09-03. Review status: criteria provided, single submitter. Criteria: GeneDx Variant Classification Process June 2021. Collection method: clinical testing. Allele origin: germline. Affected: yes.
Comment: Not observed at significant frequency in large population cohorts (gnomAD); In silico analysis indicates that this missense variant does not alter protein structure/function; Has not been previously published as pathogenic or benign to our knowledge

Labcorp Genetics (formerly Invitae), Labcorp
Classification: Uncertain significance. Last evaluated: 2022-05-27. Review status: criteria provided, single submitter. Criteria: Invitae Variant Classification Sherloc (09022015). Collection method: clinical testing. Allele origin: germline.
Comment: In summary, the available evidence is currently insufficient to determine the role of this variant in disease. Therefore, it has been classified as a Variant of Uncertain Significance. Algorithms developed to predict the effect of missense changes on protein structure and function output the following: SIFT: "Tolerated"; PolyPhen-2: "Benign"; Align-GVGD: "Class C0". The arginine amino acid residue is found in multiple mammalian species, which suggests that this missense change does not adversely affect protein function. This variant has not been reported in the literature in individuals affected with COX10-related conditions. This variant is not present in population databases (gnomAD no frequency). This sequence change replaces lysine, which is basic and polar, with arginine, which is basic and polar, at codon 57 of the COX10 protein (p.Lys57Arg).

NM_001303.4(COX10):c.170A>G (p.Lys57Arg)

Gene: COX10 (cytochrome c oxidase assembly factor heme A:farnesyltransferase COX10; plus strand). Cytogenetic location: 17p12.
Variant type: single nucleotide variant.
Coding change: c.170A>G on transcript NM_001303.4 (MANE Select); coding-DNA position 170, A replaced by G.
Protein change: p.Lys57Arg; replaces lysine 57 with arginine.
Molecular consequence: missense variant.
Genome position (GRCh38, 1-based): chr17:14,074,449, A>G. VCF-style: chr17-14074449-A-G. GRCh37 (hg19) VCF-style: chr17-13977766-A-G.
Other names: c.170A>G (NM_001303.3); short protein forms K57R.
Identifiers: ClinVar variation 1999499 (VCV001999499.5), dbSNP rs1915098797, ClinGen allele CA398247890.